The following is an entry in ClinVar:

NM_004369.4(COL6A3):c.1531G>T (p.Ala511Ser)

Gene: COL6A3 (collagen type VI alpha 3 chain; minus strand). Cytogenetic location: 2q37.3.
Variant type: single nucleotide variant.
Coding change: c.1531G>T on transcript NM_004369.4 (MANE Select); coding-DNA position 1531, G replaced by T.
Protein change: p.Ala511Ser; replaces alanine 511 with serine.
Molecular consequence: missense variant.
Genome position (GRCh38, 1-based): chr2:237,381,281, C>A on the plus strand (G>T on the coding strand, the complement: COL6A3 is on the minus strand). VCF-style: chr2-237381281-C-A. GRCh37 (hg19) VCF-style: chr2-238289924-C-A.
Other names: c.310G>T, p.Ala104Ser (NM_057164.5, NM_057166.5); c.913G>T, p.Ala305Ser (NM_057165.5, NM_057167.4); short protein forms A104S, A305S, A511S.
Identifiers: ClinVar variation 1015653 (VCV001015653.9), dbSNP rs775165275, ClinGen allele CA67830669.

ClinVar aggregate classification (germline): Uncertain significance (1 of 4 stars; one submission).

Conditions:
Bethlem myopathy 1A. Also called: Bethlem Muscular Dystrophy; MYOPATHY, BENIGN CONGENITAL, WITH CONTRACTURES; Bethlem myopathy 1. Identifiers: Orphanet 610, MedGen CN029274, MONDO:0024530, OMIM 158810.

gnomAD v4.1: 26 of 1,614,122 alleles (0.0016%); highest among the groups gnomAD compares: Non-Finnish European, 0.0022%; no homozygotes.

Submission:

Labcorp Genetics (formerly Invitae), Labcorp
Classification: Uncertain significance for Bethlem myopathy 1A. Last evaluated: 2024-01-02. Review status: criteria provided, single submitter. Criteria: Invitae Variant Classification Sherloc (09022015). Collection method: clinical testing. Allele origin: germline.
Comment: This sequence change replaces alanine, which is neutral and non-polar, with serine, which is neutral and polar, at codon 511 of the COL6A3 protein (p.Ala511Ser). This variant is present in population databases (rs775165275, gnomAD 0.003%). This missense change has been observed in individual(s) with clinical features of COL6A3-related conditions (Invitae). ClinVar contains an entry for this variant (Variation ID: 1015653). Advanced modeling of protein sequence and biophysical properties (such as structural, functional, and spatial information, amino acid conservation, physicochemical variation, residue mobility, and thermodynamic stability) performed at Invitae indicates that this missense variant is not expected to disrupt COL6A3 protein function with a negative predictive value of 95%. In summary, the available evidence is currently insufficient to determine the role of this variant in disease. Therefore, it has been classified as a Variant of Uncertain Significance.